The following is an entry in ClinVar:

NM_005996.4(TBX3):c.2109C>T (p.Ser703=)

Gene: TBX3 (T-box transcription factor 3; minus strand). Cytogenetic location: 12q24.21.
Variant type: single nucleotide variant.
Coding change: c.2109C>T on transcript NM_005996.4 (MANE Select); coding-DNA position 2109, C replaced by T.
Protein change: p.Ser703=; no amino-acid change (serine 703 retained).
Molecular consequence: synonymous variant.
Genome position (GRCh38, 1-based): chr12:114,671,904, G>A on the plus strand (C>T on the coding strand, the complement: TBX3 is on the minus strand). VCF-style: chr12-114671904-G-A. GRCh37 (hg19) VCF-style: chr12-115109709-G-A.
Other names: c.2169C>T, p.Ser723= (NM_016569.4).
Identifiers: ClinVar variation 3353480 (VCV003353480.1).

ClinVar aggregate classification (germline): Likely benign (0 of 4 stars; one submission).

Conditions:
TBX3-related disorder. Also called: TBX3-related condition.

gnomAD v4.1: 16 of 1,581,542 alleles (0.001%); highest among the groups gnomAD compares: African/African-American, 0.0013%; no homozygotes.

Submission:

PreventionGenetics, part of Exact Sciences
Classification: Likely benign for TBX3-related condition. Last evaluated: 2024-01-30. Review status: no assertion criteria provided. Collection method: clinical testing. Allele origin: germline.
Comment: This variant is classified as likely benign based on ACMG/AMP sequence variant interpretation guidelines (Richards et al. 2015 PMID: 25741868, with internal and published modifications).